The following is an entry in ClinVar:

ClinVar aggregate classification (germline): Uncertain significance. Review status: criteria provided, multiple submitters, no conflicts (2 of 4 stars). 2 submissions from 2 submitters: Uncertain significance (2). Last evaluated 2023-04-26.

Conditions:
Bethlem myopathy 1A. Also called: MYOPATHY, BENIGN CONGENITAL, WITH CONTRACTURES; Bethlem Muscular Dystrophy; Bethlem myopathy 1. Identifiers: Orphanet 610, MedGen CN029274, MONDO:0024530, OMIM 158810.

Allele frequency attached by ClinVar (database versions not stated): gnomAD exomes below 0.00001; TOPMed below 0.00001; gnomAD 0.00001.
gnomAD v4.1: 3 of 1,614,092 alleles (0.00019%); highest among the groups gnomAD compares: Non-Finnish European, 0.00025%; no homozygotes.

Submissions (2):

Revvity Omics, Revvity
Classification: Uncertain significance. Last evaluated: 2023-04-26. Review status: criteria provided, single submitter. Criteria: ACMG Guidelines, 2015. Collection method: clinical testing. Allele origin: germline.

Labcorp Genetics (formerly Invitae), Labcorp
Classification: Uncertain significance for Bethlem myopathy 1A. Last evaluated: 2022-08-19. Review status: criteria provided, single submitter. Criteria: Invitae Variant Classification Sherloc (09022015). Collection method: clinical testing. Allele origin: germline.
Comment: This variant has not been reported in the literature in individuals affected with COL6A3-related conditions. This variant is not present in population databases (gnomAD no frequency). This sequence change replaces alanine, which is neutral and non-polar, with valine, which is neutral and non-polar, at codon 728 of the COL6A3 protein (p.Ala728Val). In summary, the available evidence is currently insufficient to determine the role of this variant in disease. Therefore, it has been classified as a Variant of Uncertain Significance. Advanced modeling of protein sequence and biophysical properties (such as structural, functional, and spatial information, amino acid conservation, physicochemical variation, residue mobility, and thermodynamic stability) performed at Invitae indicates that this missense variant is not expected to disrupt COL6A3 protein function.

NM_004369.4(COL6A3):c.2183C>T (p.Ala728Val)

Gene: COL6A3 (collagen type VI alpha 3 chain; minus strand). Cytogenetic location: 2q37.3.
Variant type: single nucleotide variant.
Coding change: c.2183C>T on transcript NM_004369.4 (MANE Select); coding-DNA position 2183, C replaced by T.
Protein change: p.Ala728Val; replaces alanine 728 with valine.
Molecular consequence: missense variant. On other transcripts: intron variant (1).
Genome position (GRCh38, 1-based): chr2:237,378,950, G>A on the plus strand (C>T on the coding strand, the complement: COL6A3 is on the minus strand). VCF-style: chr2-237378950-G-A. GRCh37 (hg19) VCF-style: chr2-238287593-G-A.
Other names: c.962C>T, p.Ala321Val (NM_057164.5); c.1565C>T, p.Ala522Val (NM_057165.5, NM_057167.4); c.677-1606C>T (NM_057166.5); short protein forms A522V, A728V, A321V.
Identifiers: ClinVar variation 2078348 (VCV002078348.7), dbSNP rs1439968667, ClinGen allele CA351214245.